The following is an entry in ClinVar:

NM_172107.4(KCNQ2):c.1040A>C (p.Tyr347Ser)

Gene: KCNQ2 (potassium voltage-gated channel subfamily Q member 2; minus strand). Cytogenetic location: 20q13.33.
Variant type: single nucleotide variant.
Coding change: c.1040A>C on transcript NM_172107.4 (MANE Select); coding-DNA position 1040, A replaced by C.
Protein change: p.Tyr347Ser; replaces tyrosine 347 with serine.
Molecular consequence: missense variant.
Genome position (GRCh38, 1-based): chr20:63,433,887, T>G on the plus strand (A>C on the coding strand, the complement: KCNQ2 is on the minus strand). VCF-style: chr20-63433887-T-G. GRCh37 (hg19) VCF-style: chr20-62065240-T-G.
Other names: c.1040A>C, p.Tyr347Ser (NM_001382235.1, NM_001439003.1, NM_001439004.1 and 4 more transcripts); short protein forms Y347S.
Identifiers: ClinVar variation 4803154 (VCV004803154.1).

ClinVar aggregate classification (germline): Likely pathogenic (1 of 4 stars; one submission).

Conditions:
Early-infantile DEE. Also called: Early infantile epileptic encephalopathy; Early infantile epileptic encephalopathy with suppression bursts; Ohtahara syndrome. Identifiers: Orphanet 1934, MedGen C0393706, MONDO:0800491.

Submission:

Labcorp Genetics (formerly Invitae), Labcorp
Classification: Likely pathogenic for Early-infantile DEE. Last evaluated: 2025-03-05. Review status: criteria provided, single submitter. Criteria: Invitae Variant Classification Sherloc (09022015). Collection method: clinical testing. Allele origin: germline.
Comment: This sequence change replaces tyrosine, which is neutral and polar, with serine, which is neutral and polar, at codon 347 of the KCNQ2 protein (p.Tyr347Ser). This variant is not present in population databases (gnomAD no frequency). This missense change has been observed in individual(s) with KCNQ2-related conditions (PMID: 33811133). Invitae Evidence Modeling of protein sequence and biophysical properties (such as structural, functional, and spatial information, amino acid conservation, physicochemical variation, residue mobility, and thermodynamic stability) indicates that this missense variant is expected to disrupt KCNQ2 protein function with a positive predictive value of 95%. This variant disrupts the p.Tyr347 amino acid residue in KCNQ2. Other variant(s) that disrupt this residue have been determined to be pathogenic (PMID: 34711204). This suggests that this residue is clinically significant, and that variants that disrupt this residue are likely to be disease-causing. In summary, the currently available evidence indicates that the variant is pathogenic, but additional data are needed to prove that conclusively. Therefore, this variant has been classified as Likely Pathogenic.

Literature cited by the submitters: PubMed 33811133; PubMed 34711204.